The following is an entry in ClinVar:

ClinVar aggregate classification (germline): Likely benign. Review status: criteria provided, multiple submitters, no conflicts (2 of 4 stars). 2 submissions from 2 submitters: Likely benign (2). Last evaluated 2025-10-22.

Conditions:
Ehlers-Danlos syndrome, spondylodysplastic type, 3. Also called: Ehlers-Danlos syndrome, spondylocheirodysplastic type. Identifiers: Orphanet 157965, MedGen C2676510, MONDO:0012873, OMIM 612350.

Submissions (2):

Mayo Clinic Laboratories, Mayo Clinic
Classification: Likely benign. Last evaluated: 2025-10-22. Review status: criteria provided, single submitter. Criteria: ACMG Guidelines, 2015. Collection method: clinical testing. Allele origin: germline. Observed: 1 variant allele.
Comment: BP4, BP7, PM2_supporting

Labcorp Genetics (formerly Invitae), Labcorp
Classification: Likely benign for Ehlers-Danlos syndrome, spondylodysplastic type, 3. Last evaluated: 2025-05-13. Review status: criteria provided, single submitter. Criteria: Invitae Variant Classification Sherloc (09022015). Collection method: clinical testing. Allele origin: germline.

NM_001128225.3(SLC39A13):c.555C>T (p.Pro185=)

Gene: SLC39A13 (solute carrier family 39 member 13; plus strand). Cytogenetic location: 11p11.2.
Variant type: single nucleotide variant.
Coding change: c.555C>T on transcript NM_001128225.3 (MANE Select); coding-DNA position 555, C replaced by T.
Protein change: p.Pro185=; no amino-acid change (proline 185 retained).
Molecular consequence: synonymous variant. On other transcripts: non-coding transcript variant (1), intron variant (4).
Genome position (GRCh38, 1-based): chr11:47,413,417, C>T. VCF-style: chr11-47413417-C-T. GRCh37 (hg19) VCF-style: chr11-47434968-C-T.
Other names: p.Pro185=; c.555C>T, p.Pro185= (NM_001330245.2, NM_001441271.1, NM_001441273.1 and 1 more transcripts); c.538-180C>T (NM_001441272.1, NM_001441275.1, NM_001441276.1); c.537+950C>T (NM_001441274.1).
Identifiers: ClinVar variation 4683618 (VCV004683618.2).